The following is an entry in ClinVar:

ClinVar aggregate classification (germline): Uncertain significance (1 of 4 stars; one submission).

Submission:

GeneDx
Classification: Uncertain significance. Last evaluated: 2024-04-30. Review status: criteria provided, single submitter. Criteria: GeneDx Variant Classification Process June 2021. Collection method: clinical testing. Allele origin: germline. Affected: yes.
Comment: Not observed in large population cohorts (gnomAD); In silico analysis supports that this missense variant does not alter protein structure/function; Has not been previously published as pathogenic or benign to our knowledge

NM_005026.5(PIK3CD):c.2585A>G (p.Lys862Arg)

Gene: PIK3CD (phosphatidylinositol-4,5-bisphosphate 3-kinase catalytic subunit delta; plus strand). Cytogenetic location: 1p36.22.
Variant type: single nucleotide variant.
Coding change: c.2585A>G on transcript NM_005026.5 (MANE Select); coding-DNA position 2585, A replaced by G.
Protein change: p.Lys862Arg; replaces lysine 862 with arginine.
Molecular consequence: missense variant.
Genome position (GRCh38, 1-based): chr1:9,723,283, A>G. VCF-style: chr1-9723283-A-G. GRCh37 (hg19) VCF-style: chr1-9783341-A-G.
Other names: c.2582A>G, p.Lys861Arg (NM_001350234.2); c.2498A>G, p.Lys833Arg (NM_001350235.1); short protein forms K833R, K861R, K862R.
Identifiers: ClinVar variation 3372010 (VCV003372010.1).
Genomic context (GRCh38, chr1:9,723,283, plus strand): 5'-GCAACATGGCAGCCACAGCCGCCTTCAACAAGGATGCCCTGCTCAACTGGCTGAAGTCCA[A>G]GAACCCGGGGTGGGTTTCAGGCCCAGGGATAGGTTCCCTCTCCTTTCCAAGAGGTGTGGA-3'
Protein context (NP_005017.3, residues 852-872): KDALLNWLKS[Lys862Arg]NPGEALDRAI